The following is an entry in ClinVar:

ClinVar aggregate classification (germline): Benign (1 of 4 stars; one submission).

Allele frequency attached by ClinVar (database versions not stated): 1000 Genomes Project 30x 0.02202; gnomAD 0.06321.

Submission:

GeneDx
Classification: Benign. Last evaluated: 2018-06-16. Review status: criteria provided, single submitter. Criteria: GeneDx Variant Classification (06012015). Collection method: clinical testing. Allele origin: germline. Affected: yes.
Comment: This variant is considered likely benign or benign based on one or more of the following criteria: it is a conservative change, it occurs at a poorly conserved position in the protein, it is predicted to be benign by multiple in silico algorithms, and/or has population frequency not consistent with disease.

NM_172107.4(KCNQ2):c.388-296_388-295dup

Gene: KCNQ2 (potassium voltage-gated channel subfamily Q member 2; minus strand). Cytogenetic location: 20q13.33.
Variant type: Duplication.
Coding change: c.388-296_388-295dup on transcript NM_172107.4 (MANE Select); 296 bases into the intron before coding-DNA position 388 through 295 bases into the intron before coding-DNA position 388, 2 bases duplicated (CA; older notation c.388-296_388-295dupCA).
Molecular consequence: intron variant.
Genome position (GRCh38, 1-based): chr20:63,445,659-63,445,660, TG duplicated on the plus strand (CA on the coding strand, the reverse complement: KCNQ2 is on the minus strand). VCF-style (leftmost placement, unchanged base first): chr20-63445658-C-CTG. GRCh37 (hg19) VCF-style: chr20-62077011-C-CTG.
Other names: c.388-296_388-295dup (NM_004518.6, NM_172108.5, NM_172106.3 and 1 more transcripts).
Identifiers: ClinVar variation 671396 (VCV000671396.1), dbSNP rs1483059162, ClinGen allele CA636346154.